The following is an entry in ClinVar:

NM_001164665.2(KIAA1549):c.3683C>T (p.Ser1228Leu)

Gene: KIAA1549 (KIAA1549; minus strand). Cytogenetic location: 7q34.
Variant type: single nucleotide variant.
Coding change: c.3683C>T on transcript NM_001164665.2 (MANE Select); coding-DNA position 3683, C replaced by T.
Protein change: p.Ser1228Leu; replaces serine 1228 with leucine.
Molecular consequence: missense variant.
Genome position (GRCh38, 1-based): chr7:138,899,119, G>A on the plus strand (C>T on the coding strand, the complement: KIAA1549 is on the minus strand). VCF-style: chr7-138899119-G-A. GRCh37 (hg19) VCF-style: chr7-138583865-G-A.
Other names: c.3683C>T, p.Ser1228Leu (NM_020910.3); short protein forms S1228L.
Identifiers: ClinVar variation 1052940 (VCV001052940.10), dbSNP rs377196939, ClinGen allele CA4506134.

ClinVar aggregate classification (germline): Uncertain significance. Review status: criteria provided, multiple submitters, no conflicts (2 of 4 stars). 2 submissions from 2 submitters: Uncertain significance (2). Last evaluated 2024-10-29.

Allele frequency attached by ClinVar (database versions not stated): TOPMed below 0.00001; ExAC 0.00002; gnomAD exomes 0.00003; ESP Exome Variant Server 0.00008.
gnomAD v4.1: 15 of 1,613,626 alleles (0.00093%); highest among the groups gnomAD compares: Middle Eastern, 0.016%; no homozygotes.

Submissions (2):

Blueprint Genetics
Classification: Uncertain significance. Last evaluated: 2024-10-29. Review status: criteria provided, single submitter. Criteria: ACMG Guidelines, 2015. Collection method: clinical testing. Allele origin: germline.

Labcorp Genetics (formerly Invitae), Labcorp
Classification: Uncertain significance. Last evaluated: 2022-11-01. Review status: criteria provided, single submitter. Criteria: Invitae Variant Classification Sherloc (09022015). Collection method: clinical testing. Allele origin: germline.
Comment: This sequence change replaces serine, which is neutral and polar, with leucine, which is neutral and non-polar, at codon 1228 of the KIAA1549 protein (p.Ser1228Leu). This variant is present in population databases (rs377196939, gnomAD 0.004%). This variant has not been reported in the literature in individuals affected with KIAA1549-related conditions. ClinVar contains an entry for this variant (Variation ID: 1052940). Algorithms developed to predict the effect of missense changes on protein structure and function are either unavailable or do not agree on the potential impact of this missense change (SIFT: "Deleterious"; PolyPhen-2: "Probably Damaging"; Align-GVGD: "Class C15"). In summary, the available evidence is currently insufficient to determine the role of this variant in disease. Therefore, it has been classified as a Variant of Uncertain Significance.